The following is an entry in ClinVar:

ClinVar aggregate classification (germline): Uncertain significance (1 of 4 stars; one submission).

Allele frequency attached by ClinVar (database versions not stated): gnomAD 0.00002 and 0.00003.

Submission:

Labcorp Genetics (formerly Invitae), Labcorp
Classification: Uncertain significance. Last evaluated: 2021-09-24. Review status: criteria provided, single submitter. Criteria: Invitae Variant Classification Sherloc (09022015). Collection method: clinical testing. Allele origin: germline.
Comment: This sequence change replaces proline with alanine at codon 255 of the ZNF341 protein (p.Pro255Ala). The proline residue is weakly conserved and there is a small physicochemical difference between proline and alanine. This variant is not present in population databases (ExAC no frequency). This variant has not been reported in the literature in individuals with ZNF341-related conditions. Algorithms developed to predict the effect of missense changes on protein structure and function output the following: SIFT: "Tolerated"; PolyPhen-2: "Benign"; Align-GVGD: "Class C0". The alanine amino acid residue is found in multiple mammalian species, suggesting that this missense change does not adversely affect protein function. These predictions have not been confirmed by published functional studies and their clinical significance is uncertain. In summary, the available evidence is currently insufficient to determine the role of this variant in disease. Therefore, it has been classified as a Variant of Uncertain Significance.

NM_001282933.2(ZNF341):c.763C>G (p.Pro255Ala)

Gene: ZNF341 (zinc finger protein 341; plus strand). Cytogenetic location: 20q11.22.
Variant type: single nucleotide variant.
Coding change: c.763C>G on transcript NM_001282933.2 (MANE Select); coding-DNA position 763, C replaced by G.
Protein change: p.Pro255Ala; replaces proline 255 with alanine.
Molecular consequence: missense variant. On other transcripts: non-coding transcript variant (1).
Genome position (GRCh38, 1-based): chr20:33,757,169, C>G. VCF-style: chr20-33757169-C-G. GRCh37 (hg19) VCF-style: chr20-32344975-C-G.
Other names: c.493C>G, p.Pro165Ala (NM_001282935.2); c.763C>G, p.Pro255Ala (NM_032819.5); short protein forms P165A, P255A.
Identifiers: ClinVar variation 1508621 (VCV001508621.5), dbSNP rs749691341, ClinGen allele CA313339223.
Genomic context (GRCh38, chr20:33,757,169, plus strand): 5'-CCTGGCAGGGCTTTTTCCCTGACTGTGTTGTCCTCCTAGGTGCCAAACCAGTGTGTGGAG[C>G]CTCCAGTATATCCCACCCCCACAGTGTACAGCCCTGGCAAACAGGGATTCAAACCCAAAG-3'
Protein context (NP_001269862.1, residues 245-265): PLEVPNQCVE[Pro255Ala]PVYPTPTVYS